The following is an entry in ClinVar:

ClinVar aggregate classification (germline): Uncertain significance. Review status: criteria provided, multiple submitters, no conflicts (2 of 4 stars). 2 submissions from 2 submitters: Uncertain significance (2). Last evaluated 2024-09-23.

Conditions:
Charcot-Marie-Tooth disease type 2. Also called: Charcot-Marie-Tooth type 2. Identifiers: Orphanet 64746, MedGen C0270914, MONDO:0018993.
Inborn genetic diseases. Identifiers: MedGen C0950123, MeSH D030342.

Allele frequency attached by ClinVar (database versions not stated): gnomAD 0.00003; gnomAD exomes 0.00003; ExAC 0.00002; ESP Exome Variant Server 0.00008; TOPMed 0.00002.
gnomAD v4.1: 49 of 1,613,990 alleles (0.003%); highest among the groups gnomAD compares: East Asian, 0.1%; no homozygotes.

Submissions (2):

Labcorp Genetics (formerly Invitae), Labcorp
Classification: Uncertain significance for Charcot-Marie-Tooth disease type 2. Last evaluated: 2024-09-23. Review status: criteria provided, single submitter. Criteria: Invitae Variant Classification Sherloc (09022015). Collection method: clinical testing. Allele origin: germline.
Comment: This sequence change replaces tyrosine, which is neutral and polar, with cysteine, which is neutral and slightly polar, at codon 102 of the BSCL2 protein (p.Tyr102Cys). This variant is present in population databases (rs371113921, gnomAD 0.007%). This variant has not been reported in the literature in individuals affected with BSCL2-related conditions. ClinVar contains an entry for this variant (Variation ID: 1799332). Invitae Evidence Modeling of protein sequence and biophysical properties (such as structural, functional, and spatial information, amino acid conservation, physicochemical variation, residue mobility, and thermodynamic stability) indicates that this missense variant is expected to disrupt BSCL2 protein function with a positive predictive value of 80%. In summary, the available evidence is currently insufficient to determine the role of this variant in disease. Therefore, it has been classified as a Variant of Uncertain Significance.

Ambry Genetics
Classification: Uncertain significance for Inborn genetic diseases. Last evaluated: 2024-08-28. Review status: criteria provided, single submitter. Criteria: Ambry Variant Classification Scheme 2023. Collection method: clinical testing. Allele origin: germline.

NM_001122955.4(BSCL2):c.497A>G (p.Tyr166Cys)

Genes: BSCL2 (BSCL2 lipid droplet biogenesis associated, seipin; minus strand), HNRNPUL2-BSCL2 (HNRNPUL2-BSCL2 readthrough (NMD candidate); minus strand). Cytogenetic location: 11q12.3.
Variant type: single nucleotide variant.
Coding change: c.497A>G on transcript NM_001122955.4 (MANE Select); coding-DNA position 497, A replaced by G.
Protein change: p.Tyr166Cys; replaces tyrosine 166 with cysteine.
Molecular consequence: missense variant. On other transcripts: non-coding transcript variant (1).
Genome position (GRCh38, 1-based): chr11:62,694,701, T>C on the plus strand (A>G on the coding strand, the complement: BSCL2 is on the minus strand). VCF-style: chr11-62694701-T-C. GRCh37 (hg19) VCF-style: chr11-62462173-T-C.
Other names: c.305A>G, p.Tyr102Cys (NM_001130702.2, NM_032667.6); c.497A>G, p.Tyr166Cys (NM_001386027.1, NM_001386028.1); short protein forms Y102C, Y166C.
Identifiers: ClinVar variation 1799332 (VCV001799332.5), dbSNP rs371113921, ClinGen allele CA6053541.